The following is an entry in ClinVar:

ClinVar aggregate classification (germline): Uncertain significance (1 of 4 stars; one submission).

Conditions:
Myopia 21, autosomal dominant (MYP21). Identifiers: MedGen C3279997, MONDO:0013604, OMIM 614167.

Allele frequency attached by ClinVar (database versions not stated): gnomAD exomes below 0.00001.
gnomAD v4.1: 1 of 1,613,938 alleles (0.000062%); highest among the groups gnomAD compares: African/African-American, 0.0013%; no homozygotes.

Submission:

Centre for Mendelian Genomics, University Medical Centre Ljubljana
Classification: Uncertain significance for Myopia 21, autosomal dominant. Last evaluated: 2020-01-07. Review status: criteria provided, single submitter. Criteria: ACMG Guidelines, 2015. Collection method: clinical testing. Allele origin: unknown. Affected: yes.
Comment: This variant was classified as: Uncertain significance. The available evidence on this variant's pathogenicity is insufficient or conflicting. The following ACMG criteria were applied in classifying this variant: PM2.

NM_201269.3(ZNF644):c.2168A>G (p.His723Arg)

Gene: ZNF644 (zinc finger protein 644; minus strand). Cytogenetic location: 1p22.2.
Variant type: single nucleotide variant.
Coding change: c.2168A>G on transcript NM_201269.3 (MANE Select); coding-DNA position 2168, A replaced by G.
Protein change: p.His723Arg; replaces histidine 723 with arginine.
Molecular consequence: missense variant. On other transcripts: intron variant (2).
Genome position (GRCh38, 1-based): chr1:90,939,186, T>C on the plus strand (A>G on the coding strand, the complement: ZNF644 is on the minus strand). VCF-style: chr1-90939186-T-C. GRCh37 (hg19) VCF-style: chr1-91404743-T-C.
Other names: c.23-21032A>G (NM_032186.5, NM_016620.4); short protein forms H723R.
Identifiers: ClinVar variation 931640 (VCV000931640.3), dbSNP rs1651677177, ClinGen allele CA341053595.